The following is an entry in ClinVar:

ClinVar aggregate classification (germline): Uncertain significance (1 of 4 stars; one submission).

Conditions:
Autosomal recessive limb-girdle muscular dystrophy type 2J (LGMDR10). Also called: Limb-girdle muscular dystrophy, type 2J; MUSCULAR DYSTROPHY, LIMB-GIRDLE, AUTOSOMAL RECESSIVE 10. Identifiers: Orphanet 140922, MedGen C1837342, MONDO:0012127, OMIM 608807.
Dilated cardiomyopathy 1G (CMD1G). Identifiers: Orphanet 154, MedGen C1858763, MONDO:0011400, OMIM 604145.

Submission:

Labcorp Genetics (formerly Invitae), Labcorp
Classification: Uncertain significance for Dilated cardiomyopathy 1G; Autosomal recessive limb-girdle muscular dystrophy type 2J. Last evaluated: 2025-09-21. Review status: criteria provided, single submitter. Criteria: Invitae Variant Classification Sherloc (09022015). Collection method: clinical testing. Allele origin: germline.
Comment: This sequence change replaces tyrosine, which is neutral and polar, with phenylalanine, which is neutral and non-polar, at codon 34434 of the TTN protein (p.Tyr34434Phe). This variant is not present in population databases (gnomAD no frequency). This variant has not been reported in the literature in individuals affected with TTN-related conditions. Experimental studies and prediction algorithms are not available or were not evaluated, and the functional significance of this variant is currently unknown. This variant is located in the M band of TTN (PMID: 25589632). Non-truncating variants in this region may be relevant for neuromuscular disorders, but have not been definitively shown to cause cardiomyopathy (PMID: 23975875). In summary, the available evidence is currently insufficient to determine the role of this variant in disease. Therefore, it has been classified as a Variant of Uncertain Significance.

Literature cited by the submitters: PubMed 25589632; PubMed 23975875.

NM_001267550.2(TTN):c.103301A>T (p.Tyr34434Phe)

Genes: TTN-AS1 (TTN antisense RNA 1; plus strand), TTN (titin; minus strand). Cytogenetic location: 2q31.2.
Variant type: single nucleotide variant.
Coding change: c.103301A>T on transcript NM_001267550.2 (MANE Select); coding-DNA position 103301, A replaced by T.
Protein change: p.Tyr34434Phe; replaces tyrosine 34434 with phenylalanine.
Molecular consequence: missense variant.
Genome position (GRCh38, 1-based): chr2:178,533,314, T>A on the plus strand (A>T on the coding strand, the complement: TTN is on the minus strand). VCF-style: chr2-178533314-T-A. GRCh37 (hg19) VCF-style: chr2-179398041-T-A.
Other names: c.98378A>T, p.Tyr32793Phe (NM_001256850.1); c.76106A>T, p.Tyr25369Phe (NM_003319.4); c.95597A>T, p.Tyr31866Phe (NM_133378.4); c.76481A>T, p.Tyr25494Phe (NM_133432.3); c.76682A>T, p.Tyr25561Phe (NM_133437.4); short protein forms Y31866F, Y34434F, Y25494F, Y25369F, Y25561F, Y32793F.
Identifiers: ClinVar variation 4786186 (VCV004786186.1).